The following is an entry in ClinVar:

ClinVar aggregate classification (germline): Likely benign. Review status: criteria provided, single submitter (1 of 4 stars). 2 submissions from 2 submitters: Likely benign (1). 1 of the submissions does not count toward it. Last evaluated 2025-07-17.

Conditions:
FMN1-related disorder. Also called: FMN1-related condition.

Allele frequency attached by ClinVar (database versions not stated): ExAC 0.00021; TOPMed 0.00023; gnomAD 0.00025; gnomAD exomes 0.00046.
gnomAD v4.1: 694 of 1,613,768 alleles (0.043%); highest among the groups gnomAD compares: Non-Finnish European, 0.057%; no homozygotes.

Submissions (2):

Labcorp Genetics (formerly Invitae), Labcorp
Classification: Likely benign. Last evaluated: 2025-07-17. Review status: criteria provided, single submitter. Criteria: Invitae Variant Classification Sherloc (09022015). Collection method: clinical testing. Allele origin: germline.

PreventionGenetics, part of Exact Sciences
Classification: Likely benign for FMN1-related condition. Last evaluated: 2019-08-13. Review status: no assertion criteria provided. Collection method: clinical testing. Allele origin: germline. Not counted in ClinVar's aggregate classification.
Comment: This variant is classified as likely benign based on ACMG/AMP sequence variant interpretation guidelines (Richards et al. 2015 PMID: 25741868, with internal and published modifications).

NM_001277313.2(FMN1):c.2044-2097A>G

Gene: FMN1 (formin 1; minus strand). Cytogenetic location: 15q13.3.
Variant type: single nucleotide variant.
Coding change: c.2044-2097A>G on transcript NM_001277313.2 (MANE Select); 2097 bases into the intron before coding-DNA position 2044, A replaced by G.
Molecular consequence: intron variant. On other transcripts: synonymous variant (1).
Genome position (GRCh38, 1-based): chr15:33,067,171, T>C on the plus strand (A>G on the coding strand, the complement: FMN1 is on the minus strand). VCF-style: chr15-33067171-T-C. GRCh37 (hg19) VCF-style: chr15-33359372-T-C.
Other names: c.714A>G, p.Glu238= (NM_001103184.4).
Identifiers: ClinVar variation 3053461 (VCV003053461.3), dbSNP rs753823268, ClinGen allele CA7457288.